The following is an entry in ClinVar:

ClinVar aggregate classification (germline): Uncertain significance. Review status: criteria provided, multiple submitters, no conflicts (2 of 4 stars). 5 submissions from 5 submitters: Uncertain significance (5). Last evaluated 2024-11-24.

Conditions:
Hereditary cancer-predisposing syndrome. Also called: Neoplastic Syndromes, Hereditary; Tumor predisposition; Hereditary neoplastic syndrome; Hereditary Cancer Syndrome. Identifiers: Orphanet 140162, MedGen C0027672, MeSH D009386, MONDO:0015356.
Familial cancer of breast. Also called: BREAST CANCER, FAMILIAL; Hereditary breast cancer; hereditary breast carcinoma. Identifiers: Orphanet 227535, MedGen C0346153, MONDO:0016419, OMIM 114480. Disease mechanism: loss of function.
Hereditary breast ovarian cancer syndrome. Also called: Hereditary breast and ovarian cancer syndrome; Hereditary breast and ovarian cancer; Hereditary breast and ovarian cancer syndrome (HBOC); Breast and ovarian cancer; Hereditary breast and/or ovarian cancer syndrome; BRCA1- and BRCA2-Associated Hereditary Breast and Ovarian Cancer. Identifiers: Orphanet 145, MedGen C0677776, MeSH D061325, MONDO:0003582. Disease mechanism: loss of function.
BRCA2-related cancer predisposition. Identifiers: MedGen CN377758, MONDO:0700269.

Allele frequency attached by ClinVar (database versions not stated): gnomAD exomes below 0.00001; TOPMed below 0.00001; ExAC 0.00001; gnomAD 0.00001; ESP Exome Variant Server 0.00008.
gnomAD v4.1: 1 of 1,613,486 alleles (0.000062%); highest among the groups gnomAD compares: African/African-American, 0.0013%; no homozygotes.

Submissions (5):

Labcorp Genetics (formerly Invitae), Labcorp
Classification: Uncertain significance for Hereditary breast ovarian cancer syndrome. Last evaluated: 2024-11-24. Review status: criteria provided, single submitter. Criteria: Invitae Variant Classification Sherloc (09022015). Collection method: clinical testing. Allele origin: germline.
Comment: This sequence change replaces serine, which is neutral and polar, with proline, which is neutral and non-polar, at codon 2371 of the BRCA2 protein (p.Ser2371Pro). This variant is present in population databases (rs374388885, gnomAD 0.007%). This variant has not been reported in the literature in individuals affected with BRCA2-related conditions. ClinVar contains an entry for this variant (Variation ID: 826847). Invitae Evidence Modeling of protein sequence and biophysical properties (such as structural, functional, and spatial information, amino acid conservation, physicochemical variation, residue mobility, and thermodynamic stability) indicates that this missense variant is not expected to disrupt BRCA2 protein function with a negative predictive value of 95%. In summary, the available evidence is currently insufficient to determine the role of this variant in disease. Therefore, it has been classified as a Variant of Uncertain Significance.

Ambry Genetics
Classification: Uncertain significance for Hereditary cancer-predisposing syndrome. Last evaluated: 2024-05-26. Review status: criteria provided, single submitter. Criteria: Ambry Variant Classification Scheme 2023. Collection method: clinical testing. Allele origin: germline.
Comment: The p.S2371P variant (also known as c.7111T>C), located in coding exon 13 of the BRCA2 gene, results from a T to C substitution at nucleotide position 7111. The serine at codon 2371 is replaced by proline, an amino acid with similar properties. This amino acid position is well conserved in available vertebrate species. In addition, the in silico prediction for this alteration is inconclusive. Since supporting evidence is limited at this time, the clinical significance of this alteration remains unclear.

All of Us Research Program, National Institutes of Health
Classification: Uncertain significance for BRCA2-related cancer predisposition. Last evaluated: 2024-04-16. Review status: criteria provided, single submitter. Criteria: ACMG Guidelines, 2015. Collection method: clinical testing. Allele origin: germline. Inheritance: Autosomal dominant inheritance. Observed: 1 variant allele, 1 heterozygote.
Comment: This missense variant replaces serine with proline at codon 2371 of the BRCA2 protein. Computational prediction is inconclusive regarding the impact of this variant on protein structure and function. To our knowledge, functional studies have not been reported for this variant. This variant has not been reported in individuals affected with BRCA2-related disorders in the literature. This variant has been identified in 1/251004 chromosomes in the general population by the Genome Aggregation Database (gnomAD). The available evidence is insufficient to determine the role of this variant in disease conclusively. Therefore, this variant is classified as a Variant of Uncertain Significance.

This study involves interpretation of variants in research participants for the purpose of population health screening. Participant phenotype was not available at the time of variant classification. Additional details can be found in publication PMID: 35346344, PMCID: PMC8962531

Baylor Genetics
Classification: Uncertain significance for Familial cancer of breast. Last evaluated: 2023-11-30. Review status: criteria provided, single submitter. Criteria: ACMG Guidelines, 2015. Collection method: clinical testing. Allele origin: unknown.

Sema4
Classification: Uncertain significance for Hereditary cancer-predisposing syndrome. Last evaluated: 2021-10-30. Review status: criteria provided, single submitter. Criteria: Sema4 Curation Guidelines. Collection method: curation. Allele origin: germline.
Comment: The BRCA2 c.7111T>C (p.S2371P) variant has not been reported in the literature to our knowledge. It was observed in 1/16250 chromosomes of the African subpopulation in the large and broad cohorts of the Genome Aggregation Database (PMID: 32461654), and has been reported in ClinVar (Variation ID 826847). Functional studies have not been performed, and in silico predictions of the variant's effect on protein function are inconclusive. The evidence is insufficient to meet ACMG/AMP criteria for classifying the variant as benign or pathogenic. Thus, the clinical significance of this variant is currently uncertain.

NM_000059.4(BRCA2):c.7111T>C (p.Ser2371Pro)

Gene: BRCA2 (BRCA2 DNA repair associated; plus strand). Cytogenetic location: 13q13.1.
Variant type: single nucleotide variant.
Coding change: c.7111T>C on transcript NM_000059.4 (MANE Select); coding-DNA position 7111, T replaced by C.
Protein change: p.Ser2371Pro; replaces serine 2371 with proline.
Molecular consequence: missense variant.
Genome position (GRCh38, 1-based): chr13:32,354,964, T>C. VCF-style: chr13-32354964-T-C. GRCh37 (hg19) VCF-style: chr13-32929101-T-C.
Other names: short protein forms S2371P.
Identifiers: ClinVar variation 826847 (VCV000826847.18), dbSNP rs374388885, ClinGen allele CA6941060.
Genomic context (GRCh38, chr13:32,354,964, plus strand): 5'-GCACCTGGTCAAGAATTTCTGTCTAAATCTCATTTGTATGAACATCTGACTTTGGAAAAA[T>C]CTTCAAGCAATTTAGCAGTTTCAGGACATCCATTTTATCAAGTTTCTGCTACAAGAAATG-3'
Protein context (NP_000050.3, residues 2361-2381): HLYEHLTLEK[Ser2371Pro]SSNLAVSGHP